The following is an entry in ClinVar:

NM_000388.4(CASR):c.1521A>T (p.Glu507Asp)

Gene: CASR (calcium sensing receptor; plus strand). Cytogenetic location: 3q21.1.
Variant type: single nucleotide variant.
Coding change: c.1521A>T on transcript NM_000388.4 (MANE Select); coding-DNA position 1521, A replaced by T.
Protein change: p.Glu507Asp; replaces glutamic acid 507 with aspartic acid.
Molecular consequence: missense variant.
Genome position (GRCh38, 1-based): chr3:122,275,955, A>T. VCF-style: chr3-122275955-A-T. GRCh37 (hg19) VCF-style: chr3-121994802-A-T.
Other names: c.1521A>T, p.Glu507Asp (NM_001178065.2); short protein forms E507D.
Identifiers: ClinVar variation 1774428 (VCV001774428.2), dbSNP rs2473258120, ClinGen allele CA354155280.

ClinVar aggregate classification (germline): Uncertain significance (1 of 4 stars; one submission).

Conditions:
Nephrolithiasis/nephrocalcinosis. Identifiers: MedGen CN580796.

Submission:

Ambry Genetics
Classification: Uncertain significance for Nephrolithiasis/nephrocalcinosis. Last evaluated: 2022-09-08. Review status: criteria provided, single submitter. Criteria: Ambry Variant Classification Scheme 2023. Collection method: clinical testing. Allele origin: germline.
Comment: The p.E507D variant (also known as c.1521A>T), located in coding exon 4 of the CASR gene, results from an A to T substitution at nucleotide position 1521. The glutamic acid at codon 507 is replaced by aspartic acid, an amino acid with highly similar properties. This amino acid position is highly conserved in available vertebrate species. In addition, this alteration is predicted to be deleterious by in silico analysis. Since supporting evidence is limited at this time, the clinical significance of this alteration remains unclear.